The following is an entry in ClinVar:

NM_032447.5(FBN3):c.3604G>C (p.Glu1202Gln)

Gene: FBN3 (fibrillin 3; minus strand). Cytogenetic location: 19p13.2.
Variant type: single nucleotide variant.
Coding change: c.3604G>C on transcript NM_032447.5 (MANE Select); coding-DNA position 3604, G replaced by C.
Protein change: p.Glu1202Gln; replaces glutamic acid 1202 with glutamine.
Molecular consequence: missense variant.
Genome position (GRCh38, 1-based): chr19:8,116,782, C>G on the plus strand (G>C on the coding strand, the complement: FBN3 is on the minus strand). VCF-style: chr19-8116782-C-G. GRCh37 (hg19) VCF-style: chr19-8181666-C-G.
Other names: c.3604G>C (NM_032447.3); c.3604G>C, p.Glu1202Gln (NM_001321431.2); short protein forms E1202Q.
Identifiers: ClinVar variation 1977566 (VCV001977566.6), dbSNP rs368996470, ClinGen allele CA9152385.

ClinVar aggregate classification (germline): Uncertain significance. Review status: criteria provided, multiple submitters, no conflicts (2 of 4 stars). 2 submissions from 2 submitters: Uncertain significance (2). Last evaluated 2024-06-25.

Allele frequency attached by ClinVar (database versions not stated): ExAC 0.00001; gnomAD 0.00001; TOPMed 0.00002; ESP Exome Variant Server 0.00008.
gnomAD v4.1: 3 of 1,613,940 alleles (0.00019%); highest among the groups gnomAD compares: African/African-American, 0.0027%; no homozygotes.

Submissions (2):

Ambry Genetics
Classification: Uncertain significance. Last evaluated: 2024-06-25. Review status: criteria provided, single submitter. Criteria: Ambry Variant Classification Scheme 2023. Collection method: clinical testing. Allele origin: germline.

Labcorp Genetics (formerly Invitae), Labcorp
Classification: Uncertain significance. Last evaluated: 2022-03-15. Review status: criteria provided, single submitter. Criteria: Invitae Variant Classification Sherloc (09022015). Collection method: clinical testing. Allele origin: germline.
Comment: This sequence change replaces glutamic acid, which is acidic and polar, with glutamine, which is neutral and polar, at codon 1202 of the FBN3 protein (p.Glu1202Gln). This variant has not been reported in the literature in individuals affected with FBN3-related conditions. This variant is present in population databases (rs368996470, gnomAD 0.01%). In summary, the available evidence is currently insufficient to determine the role of this variant in disease. Therefore, it has been classified as a Variant of Uncertain Significance. Algorithms developed to predict the effect of missense changes on protein structure and function output the following: SIFT: "Not Available"; PolyPhen-2: "Benign"; Align-GVGD: "Not Available". The glutamine amino acid residue is found in multiple mammalian species, which suggests that this missense change does not adversely affect protein function.